The following is an entry in ClinVar:

ClinVar aggregate classification (germline): Uncertain significance (1 of 4 stars; one submission).

Conditions:
Peroxisome biogenesis disorder 7A (Zellweger). Also called: Peroxisome biogenesis disorder 7A. Identifiers: Orphanet 912, MedGen C3888385, MONDO:0013938, OMIM 614872.
Peroxisome biogenesis disorder 7B (PBD7B). Identifiers: Orphanet 44, MedGen C3553951, MONDO:0013939, OMIM 614873.

Allele frequency attached by ClinVar (database versions not stated): gnomAD exomes below 0.00001 and 0.00002; gnomAD 0.00001; TOPMed 0.00001.
gnomAD v4.1: 7 of 1,614,028 alleles (0.00043%); highest among the groups gnomAD compares: Admixed American, 0.0067%; no homozygotes.

Submission:

Labcorp Genetics (formerly Invitae), Labcorp
Classification: Uncertain significance for Peroxisome biogenesis disorder 7A (Zellweger); Peroxisome biogenesis disorder 7B. Last evaluated: 2022-10-24. Review status: criteria provided, single submitter. Criteria: Invitae Variant Classification Sherloc (09022015). Collection method: clinical testing. Allele origin: germline.
Comment: In summary, the available evidence is currently insufficient to determine the role of this variant in disease. Therefore, it has been classified as a Variant of Uncertain Significance. Advanced modeling of protein sequence and biophysical properties (such as structural, functional, and spatial information, amino acid conservation, physicochemical variation, residue mobility, and thermodynamic stability) performed at Invitae indicates that this missense variant is not expected to disrupt PEX26 protein function. ClinVar contains an entry for this variant (Variation ID: 1383600). This variant has not been reported in the literature in individuals affected with PEX26-related conditions. This variant is present in population databases (no rsID available, gnomAD 0.009%). This sequence change replaces phenylalanine, which is neutral and non-polar, with valine, which is neutral and non-polar, at codon 248 of the PEX26 protein (p.Phe248Val).

NM_001127649.3(PEX26):c.742T>G (p.Phe248Val)

Gene: PEX26 (peroxisomal biogenesis factor 26; plus strand). Cytogenetic location: 22q11.21.
Variant type: single nucleotide variant.
Coding change: c.742T>G on transcript NM_001127649.3 (MANE Select); coding-DNA position 742, T replaced by G.
Protein change: p.Phe248Val; replaces phenylalanine 248 with valine.
Molecular consequence: missense variant. On other transcripts: intron variant (1).
Genome position (GRCh38, 1-based): chr22:18,085,186, T>G. VCF-style: chr22-18085186-T-G. GRCh37 (hg19) VCF-style: chr22-18567952-T-G.
Other names: c.742T>G, p.Phe248Val (NM_017929.6); c.667+1454T>G (NM_001199319.2); short protein forms F248V.
Identifiers: ClinVar variation 1383600 (VCV001383600.6), dbSNP rs1242355055, ClinGen allele CA410268614.